The following is an entry in ClinVar:

ClinVar aggregate classification (germline): Pathogenic/Likely pathogenic. Review status: criteria provided, multiple submitters, no conflicts (2 of 4 stars). 2 submissions from 2 submitters: Pathogenic (1); Likely pathogenic (1). Last evaluated 2026-01-08.

Conditions:
Inherited MMR deficiency (Lynch syndrome).

Submissions (2):

Genomics and Molecular Medicine Service, East Genomic Laboratory Hub, NHS Genomic Medicine Service
Classification: Pathogenic for Inherited MMR deficiency (Lynch syndrome). Last evaluated: 2026-01-08. Review status: criteria provided, single submitter. Criteria: ACGS Best Practice Guidelines for Variant Classification in Rare Disease 2020. Collection method: clinical testing. Allele origin: germline. Affected: yes.
Comment: PVS1,PM2_Supporting,PP4

Dasa
Classification: Likely pathogenic. Last evaluated: 2025-08-07. Review status: criteria provided, single submitter. Criteria: DASA Assertion Criteria. Collection method: clinical testing. Allele origin: germline.
Comment: NM_000179.3(MSH6):c.2455G>T (p.Glu819*) is a nonsense variant in MSH6 predicted to introduce a premature termination codon and is predicted to result in an absent or altered protein product. Loss of function is an established disease mechanism for MSH6 (PMID: 9354786; PMID: 11709755; PMID: 14974087). Also, this variant is absent from population databases. Based on the currently available evidence, this variant is classified as likely pathogenic.

Literature cited by the submitters: PubMed 9354786 (cited by Dasa); PubMed 11709755 (cited by Dasa); PubMed 14974087 (cited by Dasa).

NM_000179.3(MSH6):c.2455G>T (p.Glu819Ter)

Gene: MSH6 (mutS homolog 6; plus strand). Cytogenetic location: 2p16.3.
Variant type: single nucleotide variant.
Coding change: c.2455G>T on transcript NM_000179.3 (MANE Select); coding-DNA position 2455, G replaced by T.
Protein change: p.Glu819Ter; replaces glutamic acid 819 with a stop codon.
Molecular consequence: nonsense. On other transcripts: non-coding transcript variant (5), intron variant (3).
Genome position (GRCh38, 1-based): chr2:47,800,438, G>T. VCF-style: chr2-47800438-G-T. GRCh37 (hg19) VCF-style: chr2-48027577-G-T.
Other names: c.2377G>T, p.Glu793Ter (NM_001406804.1); c.2158G>T, p.Glu720Ter (NM_001406805.1, NM_001406797.1, NM_001406801.1 and 10 more transcripts); c.1930G>T, p.Glu644Ter (NM_001406806.1, NM_001406807.1, NM_001406799.1); c.2455G>T, p.Glu819Ter (NM_001406808.1, NM_001406809.1, NM_001406796.1 and 2 more transcripts); c.1549G>T, p.Glu517Ter (NM_001406811.1, NM_001406812.1, NM_001406814.1 and 6 more transcripts); c.2461G>T, p.Glu821Ter (NM_001406813.1); c.2065G>T, p.Glu689Ter (NM_001281492.2); c.2551G>T, p.Glu851Ter (NM_001406795.1, NM_001406802.1); and 4 more; short protein forms E517*, E689*, E763*, E793*, E821*, E644*, E720*, E819*.
Identifiers: ClinVar variation 4795880 (VCV004795880.3).